The following is an entry in ClinVar:

NM_001148.6(ANK2):c.7247G>A (p.Arg2416Gln)

Genes: ANK2 (ankyrin 2; plus strand), LOC126807137 (CDK7 strongly-dependent group 2 enhancer GRCh37_chr4:114276560-114277759; plus strand). Cytogenetic location: 4q26.
Variant type: single nucleotide variant.
Coding change: c.7247G>A on transcript NM_001148.6 (MANE Select); coding-DNA position 7247, G replaced by A.
Protein change: p.Arg2416Gln; replaces arginine 2416 with glutamine.
Molecular consequence: missense variant. On other transcripts: intron variant (68).
Genome position (GRCh38, 1-based): chr4:113,355,865, G>A. VCF-style: chr4-113355865-G-A. GRCh37 (hg19) VCF-style: chr4-114277021-G-A.
Other names: c.7013G>A, p.Arg2338Gln (NM_001386142.1); c.3647G>A, p.Arg1216Gln (NM_001386166.1); c.7388G>A, p.Arg2463Gln (NM_001386174.1); c.7364G>A, p.Arg2455Gln (NM_001386175.1); c.4412-4958G>A (NM_001386186.2, NM_001386148.2); c.4214-4958G>A (NM_001354269.3); c.4292-4958G>A (NM_001386187.2); c.4253-4958G>A (NM_001386147.1); and 35 more; short protein forms R2416Q, R1216Q, R2338Q, R2455Q, R2463Q.
Identifiers: ClinVar variation 222501 (VCV000222501.35), dbSNP rs766001488, ClinGen allele CA353922.

ClinVar aggregate classification (germline): Uncertain significance. Review status: criteria provided, multiple submitters, no conflicts (2 of 4 stars). 4 submissions from 4 submitters: Uncertain significance (4). Last evaluated 2024-05-11.

Conditions:
Cardiovascular phenotype. Identifiers: MedGen CN230736.
Long QT syndrome (LQTS). Identifiers: MedGen C0023976, MeSH D008133, MONDO:0002442. Disease mechanism: loss of function. Inheritance: Various modes of inheritance.

Allele frequency attached by ClinVar (database versions not stated): gnomAD 0.00001; ExAC 0.00002; gnomAD exomes 0.00002; TOPMed 0.00002.
gnomAD v4.1: 33 of 1,613,968 alleles (0.002%); highest among the groups gnomAD compares: Non-Finnish European, 0.0025%; no homozygotes.

Submissions (4):

Ambry Genetics
Classification: Uncertain significance for Cardiovascular phenotype. Last evaluated: 2024-05-11. Review status: criteria provided, single submitter. Criteria: Ambry Variant Classification Scheme 2023. Collection method: clinical testing. Allele origin: germline.
Comment: The p.R2416Q variant (also known as c.7247G>A), located in coding exon 38 of the ANK2 gene, results from a G to A substitution at nucleotide position 7247. The arginine at codon 2416 is replaced by glutamine, an amino acid with highly similar properties. This amino acid position is conserved. In addition, this alteration is predicted to be tolerated by in silico analysis. Based on the available evidence, the clinical significance of this variant remains unclear.

Women's Health and Genetics/Laboratory Corporation of America, LabCorp
Classification: Uncertain significance. Last evaluated: 2023-11-14. Review status: criteria provided, single submitter. Criteria: LabCorp Variant Classification Summary - May 2015. Collection method: clinical testing. Allele origin: germline.

CeGaT Center for Human Genetics Tuebingen
Classification: Uncertain significance. Last evaluated: 2023-09-01. Review status: criteria provided, single submitter. Criteria: CeGaT Center For Human Genetics Tuebingen Variant Classification Criteria Version 2. Collection method: clinical testing. Allele origin: germline. Affected: yes. Observed: 1 variant allele.
Comment: ANK2: PM5, BP4

Labcorp Genetics (formerly Invitae), Labcorp
Classification: Uncertain significance for Long QT syndrome. Last evaluated: 2022-12-31. Review status: criteria provided, single submitter. Criteria: Invitae Variant Classification Sherloc (09022015). Collection method: clinical testing. Allele origin: germline.
Comment: In summary, the available evidence is currently insufficient to determine the role of this variant in disease. Therefore, it has been classified as a Variant of Uncertain Significance. Algorithms developed to predict the effect of missense changes on protein structure and function are either unavailable or do not agree on the potential impact of this missense change (SIFT: "Tolerated"; PolyPhen-2: "Possibly Damaging"; Align-GVGD: "Class C0"). ClinVar contains an entry for this variant (Variation ID: 222501). This variant has not been reported in the literature in individuals affected with ANK2-related conditions. This variant is present in population databases (rs766001488, gnomAD 0.007%). This sequence change replaces arginine, which is basic and polar, with glutamine, which is neutral and polar, at codon 2416 of the ANK2 protein (p.Arg2416Gln).